The following is an entry in ClinVar:

NM_000051.4(ATM):c.6104C>T (p.Thr2035Ile)

Genes: ATM (ATM serine/threonine kinase; plus strand), C11orf65 (chromosome 11 open reading frame 65; minus strand). Cytogenetic location: 11q22.3.
Variant type: single nucleotide variant.
Coding change: c.6104C>T on transcript NM_000051.4 (MANE Select); coding-DNA position 6104, C replaced by T.
Protein change: p.Thr2035Ile; replaces threonine 2035 with isoleucine.
Molecular consequence: missense variant. On other transcripts: intron variant (2).
Genome position (GRCh38, 1-based): chr11:108,316,019, C>T. VCF-style: chr11-108316019-C-T. GRCh37 (hg19) VCF-style: chr11-108186746-C-T.
Other names: c.6104C>T, p.Thr2035Ile (NM_001351834.2); c.641-6948G>A (NM_001330368.2); c.*39-6948G>A (NM_001351110.2); short protein forms T2035I.
Identifiers: ClinVar variation 1172256 (VCV001172256.10), dbSNP rs2136127153, ClinGen allele CA382550325.

ClinVar aggregate classification (germline): Uncertain significance. Review status: criteria provided, multiple submitters, no conflicts (2 of 4 stars). 3 submissions from 3 submitters: Uncertain significance (3). Last evaluated 2023-08-29.

Conditions:
Hereditary cancer-predisposing syndrome. Also called: Neoplastic Syndromes, Hereditary; Tumor predisposition; Hereditary Cancer Syndrome; Hereditary neoplastic syndrome. Identifiers: Orphanet 140162, MedGen C0027672, MeSH D009386, MONDO:0015356.
Ataxia-telangiectasia syndrome (AT). Also called: Ataxia telangiectasia (A-T); ATAXIA-TELANGIECTASIA, COMPLEMENTATION GROUP A; ATAXIA-TELANGIECTASIA, FRESNO VARIANT; Ataxia-telangiectasia; Ataxia-telangiectasia, complementation group E; LOUIS-BAR SYNDROME. Identifiers: Orphanet 100, MedGen C0004135, MONDO:0008840, OMIM 208900.

Submissions (3):

Ambry Genetics
Classification: Uncertain significance for Hereditary cancer-predisposing syndrome. Last evaluated: 2023-08-29. Review status: criteria provided, single submitter. Criteria: Ambry Variant Classification Scheme 2023. Collection method: clinical testing. Allele origin: germline.
Comment: The p.T2035I variant (also known as c.6104C>T), located in coding exon 41 of the ATM gene, results from a C to T substitution at nucleotide position 6104. The threonine at codon 2035 is replaced by isoleucine, an amino acid with similar properties. This amino acid position is highly conserved in available vertebrate species. In addition, the in silico prediction for this alteration is inconclusive. Since supporting evidence is limited at this time, the clinical significance of this alteration remains unclear.

Labcorp Genetics (formerly Invitae), Labcorp
Classification: Uncertain significance for Ataxia-telangiectasia syndrome. Last evaluated: 2022-05-20. Review status: criteria provided, single submitter. Criteria: Invitae Variant Classification Sherloc (09022015). Collection method: clinical testing. Allele origin: germline.
Comment: This sequence change replaces threonine, which is neutral and polar, with isoleucine, which is neutral and non-polar, at codon 2035 of the ATM protein (p.Thr2035Ile). This variant is not present in population databases (gnomAD no frequency). This variant has not been reported in the literature in individuals affected with ATM-related conditions. ClinVar contains an entry for this variant (Variation ID: 1172256). Advanced modeling of protein sequence and biophysical properties (such as structural, functional, and spatial information, amino acid conservation, physicochemical variation, residue mobility, and thermodynamic stability) performed at Invitae indicates that this missense variant is not expected to disrupt ATM protein function. In summary, the available evidence is currently insufficient to determine the role of this variant in disease. Therefore, it has been classified as a Variant of Uncertain Significance.

Color Diagnostics, LLC DBA Color Health
Classification: Uncertain significance for Hereditary cancer-predisposing syndrome. Last evaluated: 2021-01-19. Review status: criteria provided, single submitter. Criteria: ACMG Guidelines, 2015. Collection method: clinical testing. Allele origin: germline.
Comment: This missense variant replaces threonine with isoleucine at codon 2035 of the ATM protein. Computational prediction suggests that this variant may not impact protein structure and function (internally defined REVEL score threshold <= 0.5, PMID: 27666373). To our knowledge, functional studies have not been reported for this variant. This variant has not been reported in individuals affected with hereditary cancer in the literature. This variant has not been identified in the general population by the Genome Aggregation Database (gnomAD). The available evidence is insufficient to determine the role of this variant in disease conclusively. Therefore, this variant is classified as a Variant of Uncertain Significance.